The following is an entry in ClinVar:

NM_001128431.4(SLC39A14):c.-15-26G>C

Gene: SLC39A14 (solute carrier family 39 member 14; plus strand). Cytogenetic location: 8p21.3.
Variant type: single nucleotide variant.
Coding change: c.-15-26G>C on transcript NM_001128431.4 (MANE Select); 26 bases into the intron before 15 bases upstream of the start codon, G replaced by C.
Molecular consequence: intron variant.
Genome position (GRCh38, 1-based): chr8:22,404,670, G>C. VCF-style: chr8-22404670-G-C. GRCh37 (hg19) VCF-style: chr8-22262183-G-C.
Other names: c.-15-26G>C (NM_001135154.3, NM_001351656.2, NM_001351655.2 and 3 more transcripts); c.16-26G>C (NM_001351657.2, NM_001351658.2, NM_001351659.2).
Identifiers: ClinVar variation 1177990 (VCV001177990.5), dbSNP rs896377, ClinGen allele CA4667192.
Genomic context (GRCh38, chr8:22,404,670, plus strand): 5'-CATGTTCAGTGTGTGGCGGGCGGGCCTGGCGCAGTTGCCGGCACACAGGGAGAGGCCTCA[G>C]CTTCACCTGCCTTTTTCTCTCACAGGTTTATTCAGTCACCATGAAGCTGCTGCTGCTGCA-3'

ClinVar aggregate classification (germline): Benign. Review status: criteria provided, multiple submitters, no conflicts (2 of 4 stars). 3 submissions from 3 submitters: Benign (3). Last evaluated 2024-07-31.

Allele frequency attached by ClinVar (database versions not stated): gnomAD exomes 0.20264 and 0.19579; ExAC 0.21370; gnomAD 0.28404 and 0.29265; 1000 Genomes Project 0.28654; ESP Exome Variant Server 0.28715; TOPMed 0.29055; 1000 Genomes Project 30x 0.29841.
gnomAD v4.1: 325,321 of 1,590,420 alleles (20%); highest among the groups gnomAD compares: African/African-American, 53%; 38,048 homozygotes.

Submissions (3):

Unidad de Genómica Garrahan, Hospital de Pediatría Garrahan
Classification: Benign. Last evaluated: 2024-07-31. Review status: criteria provided, single submitter. Criteria: ACMG Guidelines, 2015. Collection method: clinical testing. Allele origin: germline. Affected: no. Observed: 26 variant alleles.
Comment: This variant is classified as Benign based on local population frequency. This variant was detected in 28% of patients studied in a panel designed for Epileptic and Developmental Encephalopathy, Progressive Myoclonus Epilepsy and Abnormal Movements and Neurodegeneration with brain iron accumulation. Number of patients: 26. Only high quality variants are reported.

GeneDx
Classification: Benign. Last evaluated: 2021-05-15. Review status: criteria provided, single submitter. Criteria: GeneDx Variant Classification Process June 2021. Collection method: clinical testing. Allele origin: germline. Affected: yes.

Breakthrough Genomics
Classification: Benign. Review status: criteria provided, single submitter. Criteria: ACMG Guidelines, 2015. Collection method: not provided. Allele origin: germline. Inheritance: Autosomal recessive inheritance. Affected: yes.